The following is an entry in ClinVar:

ClinVar aggregate classification (germline): Uncertain significance (1 of 4 stars; one submission).

Conditions:
Immunodeficiency 132A. Also called: Herpes simplex encephalitis, susceptibility to, 3. Identifiers: Orphanet 1930, MedGen C3553868, MONDO:0013920, OMIM 614849.

gnomAD v4.1: 31 of 1,614,072 alleles (0.0019%); highest among the groups gnomAD compares: Non-Finnish European, 0.0024%; no homozygotes.

Submission:

Labcorp Genetics (formerly Invitae), Labcorp
Classification: Uncertain significance for Immunodeficiency 132A. Last evaluated: 2025-08-07. Review status: criteria provided, single submitter. Criteria: Invitae Variant Classification Sherloc (09022015). Collection method: clinical testing. Allele origin: germline.
Comment: This sequence change replaces valine, which is neutral and non-polar, with isoleucine, which is neutral and non-polar, at codon 96 of the TRAF3 protein (p.Val96Ile). This variant is present in population databases (no rsID available, gnomAD 0.004%). This variant has not been reported in the literature in individuals affected with TRAF3-related conditions. ClinVar contains an entry for this variant (Variation ID: 3715994). An algorithm developed to predict the effect of missense changes on protein structure and function outputs the following: PolyPhen-2: "Benign". The isoleucine amino acid residue is found in multiple mammalian species, which suggests that this missense change does not adversely affect protein function. In summary, the available evidence is currently insufficient to determine the role of this variant in disease. Therefore, it has been classified as a Variant of Uncertain Significance.

NM_145725.3(TRAF3):c.286G>A (p.Val96Ile)

Gene: TRAF3 (TNF receptor associated factor 3; plus strand). Cytogenetic location: 14q32.32.
Variant type: single nucleotide variant.
Coding change: c.286G>A on transcript NM_145725.3 (MANE Select); coding-DNA position 286, G replaced by A.
Protein change: p.Val96Ile; replaces valine 96 with isoleucine.
Molecular consequence: missense variant.
Genome position (GRCh38, 1-based): chr14:102,871,957, G>A. VCF-style: chr14-102871957-G-A. GRCh37 (hg19) VCF-style: chr14-103338294-G-A.
Other names: c.286G>A, p.Val96Ile (NM_001199427.2, NM_001385142.1, NM_001385143.1 and 2 more transcripts); short protein forms V96I.
Identifiers: ClinVar variation 3715994 (VCV003715994.2).